The following is an entry in ClinVar:

ClinVar aggregate classification (germline): Uncertain significance. Review status: criteria provided, multiple submitters, no conflicts (2 of 4 stars). 2 submissions from 2 submitters: Uncertain significance (2). Last evaluated 2024-05-19.

Conditions:
X-linked immunodeficiency with magnesium defect, Epstein-Barr virus infection and neoplasia. Identifiers: Orphanet 317476, MedGen C3275445, MONDO:0010455, OMIM 300853.

Allele frequency attached by ClinVar (database versions not stated): TOPMed below 0.00001.

Submissions (2):

Labcorp Genetics (formerly Invitae), Labcorp
Classification: Uncertain significance for X-linked immunodeficiency with magnesium defect, Epstein-Barr virus infection and neoplasia. Last evaluated: 2024-05-19. Review status: criteria provided, single submitter. Criteria: Invitae Variant Classification Sherloc (09022015). Collection method: clinical testing. Allele origin: germline.
Comment: This sequence change replaces threonine, which is neutral and polar, with isoleucine, which is neutral and non-polar, at codon 170 of the MAGT1 protein (p.Thr170Ile). This variant is not present in population databases (gnomAD no frequency). This variant has not been reported in the literature in individuals affected with MAGT1-related conditions. ClinVar contains an entry for this variant (Variation ID: 1693348). Advanced modeling of protein sequence and biophysical properties (such as structural, functional, and spatial information, amino acid conservation, physicochemical variation, residue mobility, and thermodynamic stability) performed at Invitae indicates that this missense variant is not expected to disrupt MAGT1 protein function with a negative predictive value of 80%. In summary, the available evidence is currently insufficient to determine the role of this variant in disease. Therefore, it has been classified as a Variant of Uncertain Significance.

GeneDx
Classification: Uncertain significance. Last evaluated: 2023-12-07. Review status: criteria provided, single submitter. Criteria: GeneDx Variant Classification Process June 2021. Collection method: clinical testing. Allele origin: germline. Affected: yes.
Comment: Has not been previously published as pathogenic or benign to our knowledge; Not observed at significant frequency in large population cohorts (gnomAD); In silico analysis supports that this missense variant does not alter protein structure/function

NM_001367916.1(MAGT1):c.413C>T (p.Thr138Ile)

Gene: MAGT1 (magnesium transporter 1; minus strand). Cytogenetic location: Xq21.1.
Variant type: single nucleotide variant.
Coding change: c.413C>T on transcript NM_001367916.1 (MANE Select); coding-DNA position 413, C replaced by T.
Protein change: p.Thr138Ile; replaces threonine 138 with isoleucine.
Molecular consequence: missense variant.
Genome position (GRCh38, 1-based): chrX:77,857,475, G>A on the plus strand (C>T on the coding strand, the complement: MAGT1 is on the minus strand). VCF-style: chrX-77857475-G-A. GRCh37 (hg19) VCF-style: chrX-77112972-G-A.
Other names: c.509C>T, p.Thr170Ile (NM_032121.5); short protein forms T138I, T170I.
Identifiers: ClinVar variation 1693348 (VCV001693348.5), dbSNP rs2076984273, ClinGen allele CA413714400.
Genomic context (GRCh38, chrX:77,857,475, plus strand): 5'-ACCTGTAACTCATATGTATCACCCCGTTTGGGTTTCCCTTTTGCAGGAAAGTTGATGAAA[G>A]TTGGAGCTGAATTCATGTTTAGCTGAATAAAAACGAGCCATGAAAATATACATTATCAGG-3'
Protein context (NP_001354845.1, residues 128-148): FQMLNMNSAP[Thr138Ile]FINFPAKGKP